The following is an entry in ClinVar:

NM_000304.4(PMP22):c.72C>A (p.Ile24=)

Gene: PMP22 (peripheral myelin protein 22; minus strand). Cytogenetic location: 17p12.
Variant type: single nucleotide variant.
Coding change: c.72C>A on transcript NM_000304.4 (MANE Select); coding-DNA position 72, C replaced by A.
Protein change: p.Ile24=; no amino-acid change (isoleucine 24 retained).
Molecular consequence: synonymous variant.
Genome position (GRCh38, 1-based): chr17:15,260,656, G>T on the plus strand (C>A on the coding strand, the complement: PMP22 is on the minus strand). VCF-style: chr17-15260656-G-T. GRCh37 (hg19) VCF-style: chr17-15163973-G-T.
Other names: c.72C>A, p.Ile24= (NM_001281455.2, NM_001281456.2, NM_001330143.2 and 2 more transcripts).
Identifiers: ClinVar variation 531688 (VCV000531688.11), dbSNP rs371373574, ClinGen allele CA8403452.
Genomic context (GRCh38, chr17:15,260,656, plus strand): 5'-AACCCAGATGGGGAAGGGCGGGCCGCGCAGGGAGCCTCCCCGCCAGGCACTCACGCTGAC[G>T]ATCGTGGAGACGAACAGCAGCACCAGCACCGCGACGTGGAGGACGATGATACTCAGCAAC-3'
Protein context (NP_000295.1, residues 14-34): AVLVLLFVST[Ile24=]VSQWIVGNGH

ClinVar aggregate classification (germline): Likely benign. Review status: criteria provided, multiple submitters, no conflicts (2 of 4 stars). 3 submissions from 3 submitters: Likely benign (3). Last evaluated 2026-02-12.

Conditions:
PMP22-related disorder. Also called: PMP22-related condition; PMP22-related disorders.
Charcot-Marie-Tooth disease, type I (CMT1). Also called: Charcot-Marie-Tooth, Type 1; Charcot-Marie-Tooth disease type 1. Identifiers: Orphanet 65753, MedGen C0751036, MONDO:0019011.
Inborn genetic diseases. Identifiers: MedGen C0950123, MeSH D030342.

Allele frequency attached by ClinVar (database versions not stated): gnomAD exomes 0.00001; ExAC 0.00005; ESP Exome Variant Server 0.00008; gnomAD 0.00008 and 0.00010; TOPMed 0.00011.
gnomAD v4.1: 26 of 1,552,010 alleles (0.0017%); highest among the groups gnomAD compares: African/African-American, 0.031%; no homozygotes.

Submissions (3):

PreventionGenetics, part of Exact Sciences
Classification: Likely benign for PMP22-related condition. Last evaluated: 2026-02-12. Review status: criteria provided, single submitter. Criteria: ACMG Guidelines, 2015. Collection method: clinical testing. Allele origin: germline.
Comment: This variant is classified as likely benign based on ACMG/AMP sequence variant interpretation guidelines (Richards et al. 2015 PMID: 25741868, with internal and published modifications).

Labcorp Genetics (formerly Invitae), Labcorp
Classification: Likely benign for Charcot-Marie-Tooth disease, type I. Last evaluated: 2026-02-01. Review status: criteria provided, single submitter. Criteria: Invitae Variant Classification Sherloc (09022015). Collection method: clinical testing. Allele origin: germline.

Ambry Genetics
Classification: Likely benign for Inborn genetic diseases. Last evaluated: 2019-07-11. Review status: criteria provided, single submitter. Criteria: Ambry Variant Classification Scheme 2023. Collection method: clinical testing. Allele origin: germline.